The following is an entry in ClinVar:

ClinVar aggregate classification (germline): Uncertain significance. Review status: criteria provided, multiple submitters, no conflicts (2 of 4 stars). 2 submissions from 2 submitters: Uncertain significance (2). Last evaluated 2026-09-11.

Conditions:
Developmental and epileptic encephalopathy, 12 (DEE12). Identifiers: MedGen C3150988, MONDO:0013389, OMIM 613722.

Allele frequency attached by ClinVar (database versions not stated): TOPMed below 0.00001; gnomAD exomes 0.00001; ExAC 0.00004.

Submissions (2):

GeneDx
Classification: Uncertain significance. Last evaluated: 2026-09-11. Review status: criteria provided, single submitter. Criteria: GeneDx Variant Classification Process June 2021. Collection method: clinical testing. Allele origin: germline.
Comment: Not observed at significant frequency in large population cohorts (gnomAD); In silico analysis supports that this missense variant has a deleterious effect on protein structure/function; Has not been previously published as pathogenic or benign to our knowledge; This variant is associated with the following publications: (PMID: 22508754)

Labcorp Genetics (formerly Invitae), Labcorp
Classification: Uncertain significance for Developmental and epileptic encephalopathy, 12. Last evaluated: 2021-12-13. Review status: criteria provided, single submitter. Criteria: Invitae Variant Classification Sherloc (09022015). Collection method: clinical testing. Allele origin: germline.
Comment: In summary, the available evidence is currently insufficient to determine the role of this variant in disease. Therefore, it has been classified as a Variant of Uncertain Significance. Algorithms developed to predict the effect of missense changes on protein structure and function are either unavailable or do not agree on the potential impact of this missense change (SIFT: "Deleterious"; PolyPhen-2: "Possibly Damaging"; Align-GVGD: "Class C0"). This variant has not been reported in the literature in individuals affected with PNKP-related conditions. The frequency data for this variant in the population databases is considered unreliable, as metrics indicate poor data quality at this position in the gnomAD database. This sequence change replaces serine, which is neutral and polar, with asparagine, which is neutral and polar, at codon 430 of the PNKP protein (p.Ser430Asn).

NM_007254.4(PNKP):c.1289G>A (p.Ser430Asn)

Gene: PNKP (polynucleotide kinase 3'-phosphatase; minus strand). Cytogenetic location: 19q13.33.
Variant type: single nucleotide variant.
Coding change: c.1289G>A on transcript NM_007254.4 (MANE Select); coding-DNA position 1289, G replaced by A.
Protein change: p.Ser430Asn; replaces serine 430 with asparagine.
Molecular consequence: missense variant.
Genome position (GRCh38, 1-based): chr19:49,861,781, C>T on the plus strand (G>A on the coding strand, the complement: PNKP is on the minus strand). VCF-style: chr19-49861781-C-T. GRCh37 (hg19) VCF-style: chr19-50365038-C-T.
Other names: c.1289G>A (NM_007254.2); short protein forms S430N.
Identifiers: ClinVar variation 2414484 (VCV002414484.8), dbSNP rs748420867, ClinGen allele CA9586487.
Genomic context (GRCh38, chr19:49,861,781, plus strand): 5'-AGGCCCCGCCCACCCCGCCGCAGGCCACCTACGGCCCCGCGGTCACGCTACCTGGCGCGG[C>T]TCGCGGCGTCTGGGTTTGTGTTGTCGATGGCGACCCGTTTCCCTTGCTTCAGGGCTGTCT-3'
Protein context (NP_009185.2, residues 420-440): AIDNTNPDAA[Ser430Asn]RARYVQCARA